The following is an entry in ClinVar:

ClinVar aggregate classification (germline): Uncertain significance (1 of 4 stars; one submission).

Conditions:
Familial thoracic aortic aneurysm and aortic dissection (TAAD). Also called: Thoracic aortic aneurysms and dissections. Identifiers: Orphanet 91387, MedGen C4707243, MONDO:0019625.

Allele frequency attached by ClinVar (database versions not stated): gnomAD exomes below 0.00001.
gnomAD v4.1: 1 of 1,608,416 alleles (0.000062%); highest among the groups gnomAD compares: South Asian, 0.0011%; no homozygotes.

Submission:

Color Diagnostics, LLC DBA Color Health
Classification: Uncertain significance for Familial thoracic aortic aneurysm and aortic dissection. Last evaluated: 2019-05-07. Review status: criteria provided, single submitter. Criteria: ACMG Guidelines, 2015. Collection method: clinical testing. Allele origin: germline.
Comment: This missense variant replaces proline with serine at codon 203 of the COL3A1 protein. Computational prediction tools and conservation analyses suggest that this variant may have deleterious impact on the protein function. Computational splicing tools suggest that this variant may not impact RNA splicing. To our knowledge, functional assays have not been performed for this variant nor has this variant been reported in individuals affected with cardiovascular disorders in the literature. This variant has not been identified in the general population by the Genome Aggregation Database (gnomAD). Available evidence is insufficient to determine the role of this variant in disease conclusively. Therefore, this variant is classified as a Variant of Uncertain Significance.

NM_000090.4(COL3A1):c.607C>T (p.Pro203Ser)

Gene: COL3A1 (collagen type III alpha 1 chain; plus strand). Cytogenetic location: 2q32.2.
Variant type: single nucleotide variant.
Coding change: c.607C>T on transcript NM_000090.4 (MANE Select); coding-DNA position 607, C replaced by T.
Protein change: p.Pro203Ser; replaces proline 203 with serine.
Molecular consequence: missense variant.
Genome position (GRCh38, 1-based): chr2:188,988,614, C>T. VCF-style: chr2-188988614-C-T. GRCh37 (hg19) VCF-style: chr2-189853340-C-T.
Other names: short protein forms P203S.
Identifiers: ClinVar variation 927202 (VCV000927202.3), dbSNP rs1688111809, ClinGen allele CA349848357.